The following is an entry in ClinVar:

NM_198334.3(GANAB):c.2081A>G (p.Asn694Ser)

Gene: GANAB (glucosidase II alpha subunit; minus strand). Cytogenetic location: 11q12.3.
Variant type: single nucleotide variant.
Coding change: c.2081A>G on transcript NM_198334.3 (MANE Select); coding-DNA position 2081, A replaced by G.
Protein change: p.Asn694Ser; replaces asparagine 694 with serine.
Molecular consequence: missense variant.
Genome position (GRCh38, 1-based): chr11:62,628,868, T>C on the plus strand (A>G on the coding strand, the complement: GANAB is on the minus strand). VCF-style: chr11-62628868-T-C. GRCh37 (hg19) VCF-style: chr11-62396340-T-C.
Other names: c.1805A>G, p.Asn602Ser (NM_001278192.2); c.1739A>G, p.Asn580Ser (NM_001278193.2); c.1790A>G, p.Asn597Ser (NM_001278194.2, NM_001329222.2, NM_001329223.2); c.1358A>G, p.Asn453Ser (NM_001329224.2, NM_001329225.2); c.2147A>G, p.Asn716Ser (NM_198335.4); short protein forms N602S, N716S, N580S, N694S, N453S, N597S.
Identifiers: ClinVar variation 2988600 (VCV002988600.4), dbSNP rs747288829, ClinGen allele CA6050587.

ClinVar aggregate classification (germline): Uncertain significance. Review status: criteria provided, multiple submitters, no conflicts (2 of 4 stars). 2 submissions from 2 submitters: Uncertain significance (2). Last evaluated 2025-10-02.

Conditions:
Polycystic kidney disease 3 with or without polycystic liver disease. Also called: Polycystic kidney disease 3; Polycystic Kidney and/or Polycystic Liver Disease 3; POLYCYSTIC KIDNEY DISEASE, ADULT, TYPE III. Identifiers: MedGen C3887964, MONDO:0010916, OMIM 600666.

Allele frequency attached by ClinVar (database versions not stated): gnomAD exomes 0.00001; gnomAD 0.00001; ExAC 0.00002.
gnomAD v4.1: 11 of 1,614,012 alleles (0.00068%); highest among the groups gnomAD compares: East Asian, 0.0022%; no homozygotes.

Submissions (2):

Labcorp Genetics (formerly Invitae), Labcorp
Classification: Uncertain significance. Last evaluated: 2025-10-02. Review status: criteria provided, single submitter. Criteria: Invitae Variant Classification Sherloc (09022015). Collection method: clinical testing. Allele origin: germline.
Comment: This sequence change replaces asparagine, which is neutral and polar, with serine, which is neutral and polar, at codon 716 of the GANAB protein (p.Asn716Ser). This variant is present in population databases (rs747288829, gnomAD 0.005%). This variant has not been reported in the literature in individuals affected with GANAB-related conditions. ClinVar contains an entry for this variant (Variation ID: 2988600). Invitae Evidence Modeling of protein sequence and biophysical properties (such as structural, functional, and spatial information, amino acid conservation, physicochemical variation, residue mobility, and thermodynamic stability) indicates that this missense variant is not expected to disrupt GANAB protein function with a negative predictive value of 80%. In summary, the available evidence is currently insufficient to determine the role of this variant in disease. Therefore, it has been classified as a Variant of Uncertain Significance.

Fulgent Genetics
Classification: Uncertain significance for Polycystic kidney disease 3 with or without polycystic liver disease. Last evaluated: 2024-01-08. Review status: criteria provided, single submitter. Criteria: ACMG Guidelines, 2015. Collection method: clinical testing. Allele origin: germline.